The following is an entry in ClinVar:

ClinVar aggregate classification (germline): Uncertain significance. Review status: criteria provided, multiple submitters, no conflicts (2 of 4 stars). 2 submissions from 2 submitters: Uncertain significance (2). Last evaluated 2025-11-29.

Conditions:
Inborn genetic diseases. Identifiers: MedGen C0950123, MeSH D030342.

Allele frequency attached by ClinVar (database versions not stated): gnomAD 0.00001; gnomAD exomes below 0.00001; TOPMed 0.00001.
gnomAD v4.1: 7 of 1,613,394 alleles (0.00043%); highest among the groups gnomAD compares: Admixed American, 0.0033%; no homozygotes.

Submissions (2):

Labcorp Genetics (formerly Invitae), Labcorp
Classification: Uncertain significance. Last evaluated: 2025-11-29. Review status: criteria provided, single submitter. Criteria: Invitae Variant Classification Sherloc (09022015). Collection method: clinical testing. Allele origin: germline.
Comment: This sequence change replaces lysine, which is basic and polar, with arginine, which is basic and polar, at codon 10 of the GNAI3 protein (p.Lys10Arg). This variant is present in population databases (no rsID available, gnomAD 0.004%). This variant has not been reported in the literature in individuals affected with GNAI3-related conditions. ClinVar contains an entry for this variant (Variation ID: 2264918). Invitae Evidence Modeling of protein sequence and biophysical properties (such as structural, functional, and spatial information, amino acid conservation, physicochemical variation, residue mobility, and thermodynamic stability) indicates that this missense variant is not expected to disrupt GNAI3 protein function with a negative predictive value of 80%. In summary, the available evidence is currently insufficient to determine the role of this variant in disease. Therefore, it has been classified as a Variant of Uncertain Significance.

Ambry Genetics
Classification: Uncertain significance for Inborn genetic diseases. Last evaluated: 2021-12-06. Review status: criteria provided, single submitter. Criteria: Ambry Variant Classification Scheme 2023. Collection method: clinical testing. Allele origin: germline.

NM_006496.4(GNAI3):c.29A>G (p.Lys10Arg)

Genes: GNAI3 (G protein subunit alpha i3; plus strand), LOC129931108 (ATAC-STARR-seq lymphoblastoid active region 1445; plus strand). Cytogenetic location: 1p13.3.
Variant type: single nucleotide variant.
Coding change: c.29A>G on transcript NM_006496.4 (MANE Select); coding-DNA position 29, A replaced by G.
Protein change: p.Lys10Arg; replaces lysine 10 with arginine.
Molecular consequence: missense variant.
Genome position (GRCh38, 1-based): chr1:109,548,749, A>G. VCF-style: chr1-109548749-A-G. GRCh37 (hg19) VCF-style: chr1-110091371-A-G.
Other names: short protein forms K10R.
Identifiers: ClinVar variation 2264918 (VCV002264918.3), dbSNP rs1364731927, ClinGen allele CA341530466.